The following is an entry in ClinVar:

NM_006180.6(NTRK2):c.2473A>G (p.Asn825Asp)

Gene: NTRK2 (neurotrophic receptor tyrosine kinase 2; plus strand). Cytogenetic location: 9q21.33.
Variant type: single nucleotide variant.
Coding change: c.2473A>G on transcript NM_006180.6 (MANE Select); coding-DNA position 2473, A replaced by G.
Protein change: p.Asn825Asp; replaces asparagine 825 with aspartic acid.
Molecular consequence: missense variant.
Genome position (GRCh38, 1-based): chr9:85,021,393, A>G. VCF-style: chr9-85021393-A-G. GRCh37 (hg19) VCF-style: chr9-87636308-A-G.
Other names: c.2425A>G, p.Asn809Asp (NM_001018064.3, NM_001369532.1, NM_001369533.1); c.2389A>G, p.Asn797Asp (NM_001369534.1); c.1957A>G, p.Asn653Asp (NM_001369535.1); c.2005A>G, p.Asn669Asp (NM_001369536.1); c.2473A>G, p.Asn825Asp (NM_001381928.1); c.2473A>G (NM_006180.4); short protein forms N669D, N797D, N825D, N653D, N809D.
Identifiers: ClinVar variation 2487207 (VCV002487207.21), dbSNP rs200900730, ClinGen allele CA5105998.

ClinVar aggregate classification (germline): Conflicting classifications of pathogenicity. Review status: criteria provided, conflicting classifications (1 of 4 stars). 6 submissions from 6 submitters: Uncertain significance (4); Likely benign (2). Last evaluated 2025-12-16.

Conditions:
NTRK2-related disorder. Also called: NTRK2-related condition.
Inborn genetic diseases. Identifiers: MedGen C0950123, MeSH D030342.

Allele frequency attached by ClinVar (database versions not stated): gnomAD exomes 0.00001; ExAC 0.00002; gnomAD 0.00002; TOPMed 0.00002.
gnomAD v4.1: 20 of 1,613,998 alleles (0.0012%); highest among the groups gnomAD compares: Admixed American, 0.0067%; no homozygotes.

Submissions (6):

Ambry Genetics
Classification: Uncertain significance for Inborn genetic diseases. Last evaluated: 2025-12-16. Review status: criteria provided, single submitter. Criteria: Ambry Variant Classification Scheme 2023. Collection method: clinical testing. Allele origin: germline.

Labcorp Genetics (formerly Invitae), Labcorp
Classification: Uncertain significance. Last evaluated: 2025-10-06. Review status: criteria provided, single submitter. Criteria: Invitae Variant Classification Sherloc (09022015). Collection method: clinical testing. Allele origin: germline.
Comment: This sequence change replaces asparagine, which is neutral and polar, with aspartic acid, which is acidic and polar, at codon 825 of the NTRK2 protein (p.Asn825Asp). This variant is present in population databases (rs200900730, gnomAD 0.02%). This variant has not been reported in the literature in individuals affected with NTRK2-related conditions. ClinVar contains an entry for this variant (Variation ID: 2487207). Invitae Evidence Modeling of protein sequence and biophysical properties (such as structural, functional, and spatial information, amino acid conservation, physicochemical variation, residue mobility, and thermodynamic stability) indicates that this missense variant is not expected to disrupt NTRK2 protein function with a negative predictive value of 80%. In summary, the available evidence is currently insufficient to determine the role of this variant in disease. Therefore, it has been classified as a Variant of Uncertain Significance.

PreventionGenetics, part of Exact Sciences
Classification: Uncertain significance for NTRK2-related condition. Last evaluated: 2025-03-11. Review status: criteria provided, single submitter. Criteria: ACMG Guidelines, 2015. Collection method: clinical testing. Allele origin: germline.
Comment: The NTRK2 c.2473A>G variant is predicted to result in the amino acid substitution p.Asn825Asp. To our knowledge, this variant has not been reported in the literature. This variant is reported in 0.019% of alleles in individuals of Ashkenazi Jewish descent in gnomAD. At this time, the clinical significance of this variant is uncertain due to the absence of conclusive functional and genetic evidence.

CeGaT Center for Human Genetics Tuebingen
Classification: Likely benign. Last evaluated: 2024-12-01. Review status: criteria provided, single submitter. Criteria: CeGaT Center For Human Genetics Tuebingen Variant Classification Criteria Version 2. Collection method: clinical testing. Allele origin: germline. Affected: yes. Observed: 1 variant allele.
Comment: NTRK2: PP2, BS2

Genetic Services Laboratory, University of Chicago
Classification: Uncertain significance. Last evaluated: 2023-05-09. Review status: criteria provided, single submitter. Criteria: ACMG Guidelines, 2015. Collection method: clinical testing. Allele origin: germline. Affected: no.
Comment: DNA sequence analysis of the NTRK2 gene demonstrated a sequence change, c.2473A>G, in exon 21 that results in an amino acid change, p.Asn825Asp. This sequence change does not appear to have been previously described in individuals with NTRK2-related disorders. This sequence change has been described in the gnomAD database with a frequency of 0.002% in the overall population (dbSNP rs200900730). The p.Asn825Asp change affects a highly conserved amino acid residue located in a domain of the NTRK2 protein that is not known to be functional. In-silico pathogenicity prediction tools (SIFT, PolyPhen2, Align GVGD, REVEL) provide contradictory results for the p.Asn825Asp substitution. Due to insufficient evidence and the lack of functional studies, the clinical significance of the p.Asn825Asp change remains unknown at this time.

Blueprint Genetics
Classification: Likely benign. Last evaluated: 2019-07-08. Review status: criteria provided, single submitter. Criteria: ACMG Guidelines, 2015. Collection method: clinical testing. Allele origin: germline.